The following is an entry in ClinVar:

NM_002661.5(PLCG2):c.3199-1G>A

Gene: PLCG2 (phospholipase C gamma 2; plus strand). Cytogenetic location: 16q23.3.
Variant type: single nucleotide variant.
Coding change: c.3199-1G>A on transcript NM_002661.5 (MANE Select); the canonical splice acceptor site of the intron before coding-DNA position 3199, G replaced by A.
Molecular consequence: splice acceptor variant.
Genome position (GRCh38, 1-based): chr16:81,938,800, G>A. VCF-style: chr16-81938800-G-A. GRCh37 (hg19) VCF-style: chr16-81972405-G-A.
Other names: c.3199-1G>A (NM_001425751.1, NM_001425749.1, NM_001425750.1).
Identifiers: ClinVar variation 4812883 (VCV004812883.1).

ClinVar aggregate classification (germline): Uncertain significance (1 of 4 stars; one submission).

Submission:

GeneDx
Classification: Uncertain significance. Last evaluated: 2025-08-30. Review status: criteria provided, single submitter. Criteria: GeneDx Variant Classification Process June 2021. Collection method: clinical testing. Allele origin: germline. Affected: yes.
Comment: Not observed at significant frequency in large population cohorts (gnomAD); Has not been previously published as pathogenic or benign to our knowledge; Canonical splice site variant in a gene for which loss-of-function is not an established mechanism of disease